The following is an entry in ClinVar:

ClinVar aggregate classification (germline): Uncertain significance. Review status: criteria provided, multiple submitters, no conflicts (2 of 4 stars). 2 submissions from 2 submitters: Uncertain significance (2). Last evaluated 2026-07-16.

Conditions:
DLGAP2-related disorder. Also called: DLGAP2-related condition.

Allele frequency attached by ClinVar (database versions not stated): TOPMed below 0.00001; gnomAD 0.00001.
gnomAD v4.1: 2 of 1,596,310 alleles (0.00013%); highest among the groups gnomAD compares: African/African-American, 0.0013%; no homozygotes.

Submissions (2):

PreventionGenetics, part of Exact Sciences
Classification: Uncertain significance for DLGAP2-related condition. Last evaluated: 2026-07-16. Review status: criteria provided, single submitter. Criteria: ACMG Guidelines, 2015. Collection method: clinical testing. Allele origin: germline.
Comment: The DLGAP2 c.432G>T variant is predicted to result in the amino acid substitution p.Glu144Asp. To our knowledge, this variant has not been reported in the literature or in a large population database, indicating this variant is rare. At this time, the clinical significance of this variant is uncertain due to the absence of conclusive functional and genetic evidence.

Ambry Genetics
Classification: Uncertain significance. Last evaluated: 2023-06-06. Review status: criteria provided, single submitter. Criteria: Ambry Variant Classification Scheme 2023. Collection method: clinical testing. Allele origin: germline.

NM_001346810.2(DLGAP2):c.432G>T (p.Glu144Asp)

Gene: DLGAP2 (DLG associated protein 2; plus strand). Cytogenetic location: 8p23.3.
Variant type: single nucleotide variant.
Coding change: c.432G>T on transcript NM_001346810.2 (MANE Select); coding-DNA position 432, G replaced by T.
Protein change: p.Glu144Asp; replaces glutamic acid 144 with aspartic acid.
Molecular consequence: missense variant.
Genome position (GRCh38, 1-based): chr8:1,548,885, G>T. VCF-style: chr8-1548885-G-T. GRCh37 (hg19) VCF-style: chr8-1497051-G-T.
Other names: NM_004745.3:c.192G>T; c.432G>T (NM_001346810.1); short protein forms E144D.
Identifiers: ClinVar variation 2557176 (VCV002557176.5), dbSNP rs1446141774, ClinGen allele CA369946791.